The following is an entry in ClinVar:

ClinVar aggregate classification (germline): Uncertain significance. Review status: criteria provided, multiple submitters, no conflicts (2 of 4 stars). 2 submissions from 2 submitters: Uncertain significance (2). Last evaluated 2021-10-19.

Conditions:
Cardiovascular phenotype. Identifiers: MedGen CN230736.
Hypertrophic cardiomyopathy 26. Also called: Cardiomyopathy, familial hypertrophic, 26. Identifiers: Orphanet 75249, MedGen C4310749, MONDO:0014883, OMIM 617047.
Myofibrillar myopathy 5. Also called: Filaminopathy (type); FILAMINOPATHY, AUTOSOMAL DOMINANT. Identifiers: Orphanet 171445, MedGen C1836050, MONDO:0012289, OMIM 609524.
Distal myopathy with posterior leg and anterior hand involvement. Also called: WILLIAMS DISTAL MYOPATHY. Identifiers: Orphanet 63273, MedGen C3279722, MONDO:0013550, OMIM 614065.

Submissions (2):

Labcorp Genetics (formerly Invitae), Labcorp
Classification: Uncertain significance for Distal myopathy with posterior leg and anterior hand involvement; Myofibrillar myopathy 5; Hypertrophic cardiomyopathy 26. Last evaluated: 2021-10-19. Review status: criteria provided, single submitter. Criteria: Invitae Variant Classification Sherloc (09022015). Collection method: clinical testing. Allele origin: germline.
Comment: This sequence change replaces valine with leucine at codon 971 of the FLNC protein (p.Val971Leu). The valine residue is highly conserved and there is a small physicochemical difference between valine and leucine. This variant is not present in population databases (ExAC no frequency). This variant has not been reported in the literature in individuals affected with FLNC-related conditions. Algorithms developed to predict the effect of missense changes on protein structure and function are either unavailable or do not agree on the potential impact of this missense change (SIFT: "Deleterious"; PolyPhen-2: "Benign"; Align-GVGD: "Class C0"). In summary, the available evidence is currently insufficient to determine the role of this variant in disease. Therefore, it has been classified as a Variant of Uncertain Significance.

Ambry Genetics
Classification: Uncertain significance for Cardiovascular phenotype. Last evaluated: 2019-05-22. Review status: criteria provided, single submitter. Criteria: Ambry Variant Classification Scheme 2023. Collection method: clinical testing. Allele origin: germline.
Comment: The p.V971L variant (also known as c.2911G>C), located in coding exon 19 of the FLNC gene, results from a G to C substitution at nucleotide position 2911. The valine at codon 971 is replaced by leucine, an amino acid with highly similar properties. This amino acid position is highly conserved in available vertebrate species. In addition, the in silico prediction for this alteration is inconclusive. Since supporting evidence is limited at this time, the clinical significance of this alteration remains unclear.

NM_001458.5(FLNC):c.2911G>C (p.Val971Leu)

Gene: FLNC (filamin C; plus strand). Cytogenetic location: 7q32.1.
Variant type: single nucleotide variant.
Coding change: c.2911G>C on transcript NM_001458.5 (MANE Select); coding-DNA position 2911, G replaced by C.
Protein change: p.Val971Leu; replaces valine 971 with leucine.
Molecular consequence: missense variant.
Genome position (GRCh38, 1-based): chr7:128,843,895, G>C. VCF-style: chr7-128843895-G-C. GRCh37 (hg19) VCF-style: chr7-128483949-G-C.
Other names: c.2911G>C, p.Val971Leu (NM_001127487.2); short protein forms V971L.
Identifiers: ClinVar variation 1444614 (VCV001444614.8), dbSNP rs548199973, ClinGen allele CA369193548.